The following is an entry in ClinVar:

ClinVar aggregate classification (germline): Uncertain significance (1 of 4 stars; one submission).

Conditions:
Ataxia-telangiectasia syndrome (AT). Also called: Ataxia-telangiectasia; LOUIS-BAR SYNDROME; Ataxia-telangiectasia, complementation group D; AT, COMPLEMENTATION GROUP C; ATAXIA-TELANGIECTASIA, COMPLEMENTATION GROUP A; ATAXIA-TELANGIECTASIA, FRESNO VARIANT. Identifiers: Orphanet 100, MedGen C0004135, MONDO:0008840, OMIM 208900.

Submission:

Labcorp Genetics (formerly Invitae), Labcorp
Classification: Uncertain significance for Ataxia-telangiectasia syndrome. Last evaluated: 2024-12-17. Review status: criteria provided, single submitter. Criteria: Invitae Variant Classification Sherloc (09022015). Collection method: clinical testing. Allele origin: germline.
Comment: This sequence change replaces threonine, which is neutral and polar, with serine, which is neutral and polar, at codon 2031 of the ATM protein (p.Thr2031Ser). This variant is not present in population databases (gnomAD no frequency). This variant has not been reported in the literature in individuals affected with ATM-related conditions. ClinVar contains an entry for this variant (Variation ID: 1371401). Invitae Evidence Modeling of protein sequence and biophysical properties (such as structural, functional, and spatial information, amino acid conservation, physicochemical variation, residue mobility, and thermodynamic stability) indicates that this missense variant is not expected to disrupt ATM protein function with a negative predictive value of 95%. Algorithms developed to predict the effect of sequence changes on RNA splicing suggest that this variant may create or strengthen a splice site. In summary, the available evidence is currently insufficient to determine the role of this variant in disease. Therefore, it has been classified as a Variant of Uncertain Significance.

NM_000051.4(ATM):c.6092C>G (p.Thr2031Ser)

Genes: ATM (ATM serine/threonine kinase; plus strand), C11orf65 (chromosome 11 open reading frame 65; minus strand). Cytogenetic location: 11q22.3.
Variant type: single nucleotide variant.
Coding change: c.6092C>G on transcript NM_000051.4 (MANE Select); coding-DNA position 6092, C replaced by G.
Protein change: p.Thr2031Ser; replaces threonine 2031 with serine.
Molecular consequence: missense variant. On other transcripts: intron variant (2).
Genome position (GRCh38, 1-based): chr11:108,315,908, C>G. VCF-style: chr11-108315908-C-G. GRCh37 (hg19) VCF-style: chr11-108186635-C-G.
Other names: c.6092C>G, p.Thr2031Ser (NM_001351834.2); c.641-6837G>C (NM_001330368.2); c.*39-6837G>C (NM_001351110.2); short protein forms T2031S.
Identifiers: ClinVar variation 1371401 (VCV001371401.8), dbSNP rs1555113613, ClinGen allele CA382550211.